The following is an entry in ClinVar:

NM_005051.3(QARS1):c.1012T>A (p.Tyr338Asn)

Gene: QARS1 (glutaminyl-tRNA synthetase 1; minus strand). Cytogenetic location: 3p21.31.
Variant type: single nucleotide variant.
Coding change: c.1012T>A on transcript NM_005051.3 (MANE Select); coding-DNA position 1012, T replaced by A.
Protein change: p.Tyr338Asn; replaces tyrosine 338 with asparagine.
Molecular consequence: missense variant. On other transcripts: non-coding transcript variant (1).
Genome position (GRCh38, 1-based): chr3:49,100,423, A>T on the plus strand (T>A on the coding strand, the complement: QARS1 is on the minus strand). VCF-style: chr3-49100423-A-T. GRCh37 (hg19) VCF-style: chr3-49137856-A-T.
Other names: c.979T>A, p.Tyr327Asn (NM_001272073.2); short protein forms Y327N, Y338N.
Identifiers: ClinVar variation 3343037 (VCV003343037.1).
Genomic context (GRCh38, chr3:49,100,423, plus strand): 5'-CATGGCCCTGGCCTTACCTGCGGATGAGCTCCACAGCCCACGCATATAGCTGGTCAAAAT[A>T]GTCAGACGCATATGTGACTTTGTAAGGTGTGTAGCCTGGGGCAAAATGAAACAAAGTATG-3'
Protein context (NP_005042.1, residues 328-348): TPYKVTYASD[Tyr338Asn]FDQLYAWAVE

ClinVar aggregate classification (germline): Uncertain significance (1 of 4 stars; one submission).

Submission:

GeneDx
Classification: Uncertain significance. Last evaluated: 2023-04-05. Review status: criteria provided, single submitter. Criteria: GeneDx Variant Classification Process June 2021. Collection method: clinical testing. Allele origin: germline. Affected: yes.
Comment: Not observed at significant frequency in large population cohorts (gnomAD); In silico analysis supports that this missense variant has a deleterious effect on protein structure/function; Has not been previously published as pathogenic or benign to our knowledge